The following is an entry in ClinVar:

ClinVar aggregate classification (germline): Benign. Review status: criteria provided, multiple submitters, no conflicts (2 of 4 stars). 2 submissions from 2 submitters: Benign (2). Last evaluated 2018-01-13.

Conditions:
Cataract 18 (CATC2). Also called: CATARACT 18, AUTOSOMAL RECESSIVE. Identifiers: Orphanet 91492, Orphanet 98991, Orphanet 98992, Orphanet 98995, MedGen C1864908, MONDO:0012395, OMIM 610019.

Allele frequency attached by ClinVar (database versions not stated): gnomAD 0.35978 and 0.36639; TOPMed 0.36544; gnomAD exomes 0.38655; 1000 Genomes Project 30x 0.40350; 1000 Genomes Project 0.40994.
gnomAD v4.1: 55,801 of 152,310 alleles (37%); highest among the groups gnomAD compares: East Asian, 65%; 11,391 homozygotes.

Submissions (2):

Illumina Laboratory Services, Illumina
Classification: Benign for Cataract 18. Last evaluated: 2018-01-13. Review status: criteria provided, single submitter. Criteria: ICSL Variant Classification Criteria 13 December 2019. Collection method: clinical testing. Allele origin: germline.
Comment: This variant was observed in the ICSL laboratory as part of a predisposition screen in an ostensibly healthy population. It had not been previously curated by ICSL or reported in the Human Gene Mutation Database (HGMD: prior to June 1st, 2018), and was therefore a candidate for classification through an automated scoring system. Utilizing variant allele frequency, disease prevalence and penetrance estimates, and inheritance mode, an automated score was calculated to assess if this variant is too frequent to cause the disease. Based on the score and internal cut-off values, a variant classified as benign is not then subjected to further curation. The score for this variant resulted in a classification of benign for this disease.

Breakthrough Genomics
Classification: Benign. Review status: criteria provided, single submitter. Criteria: ACMG Guidelines, 2015. Collection method: not provided. Allele origin: germline. Inheritance: Autosomal recessive inheritance. Affected: yes.

NM_024513.4(FYCO1):c.*3498A>G

Gene: FYCO1 (FYVE and coiled-coil domain autophagy adaptor 1; minus strand). Cytogenetic location: 3p21.31.
Variant type: single nucleotide variant.
Coding change: c.*3498A>G on transcript NM_024513.4 (MANE Select); 3498 bases downstream of the stop codon, A replaced by G.
Molecular consequence: 3 prime UTR variant.
Genome position (GRCh38, 1-based): chr3:45,918,267, T>C on the plus strand (A>G on the coding strand, the complement: FYCO1 is on the minus strand). VCF-style: chr3-45918267-T-C. GRCh37 (hg19) VCF-style: chr3-45959759-T-C.
Identifiers: ClinVar variation 345439 (VCV000345439.6), dbSNP rs7129, ClinGen allele CA10616018.